The following is an entry in ClinVar:

NM_000199.5(SGSH):c.712G>A (p.Ala238Thr)

Gene: SGSH (N-sulfoglucosamine sulfohydrolase; minus strand). Cytogenetic location: 17q25.3.
Variant type: single nucleotide variant.
Coding change: c.712G>A on transcript NM_000199.5 (MANE Select); coding-DNA position 712, G replaced by A.
Protein change: p.Ala238Thr; replaces alanine 238 with threonine.
Molecular consequence: missense variant. On other transcripts: non-coding transcript variant (1).
Genome position (GRCh38, 1-based): chr17:80,213,837, C>T on the plus strand (G>A on the coding strand, the complement: SGSH is on the minus strand). VCF-style: chr17-80213837-C-T. GRCh37 (hg19) VCF-style: chr17-78187636-C-T.
Other names: c.712G>A (NM_000199.3); c.712G>A, p.Ala238Thr (NM_001352921.3, NM_001352922.2); short protein forms A238T.
Identifiers: ClinVar variation 2142543 (VCV002142543.3), dbSNP rs752632460, ClinGen allele CA8817828.

ClinVar aggregate classification (germline): Uncertain significance. Review status: criteria provided, multiple submitters, no conflicts (2 of 4 stars). 3 submissions from 3 submitters: Uncertain significance (3). Last evaluated 2025-02-09.

Conditions:
Mucopolysaccharidosis, MPS-III-A (MPS3A). Also called: HEPARAN SULFATE SULFATASE DEFICIENCY; SANFILIPPO SYNDROME A; SULFAMIDASE DEFICIENCY; MPS III A; Mucopolysaccharidosis, type IIIA; MUCOPOLYSACCHARIDOSIS, TYPE IIIA, ATTENUATED. Identifiers: Orphanet 581, Orphanet 79269, MedGen C0086647, MONDO:0009655, OMIM 252900.
Inborn genetic diseases. Identifiers: MedGen C0950123, MeSH D030342.

Allele frequency attached by ClinVar (database versions not stated): TOPMed below 0.00001; gnomAD 0.00001; gnomAD exomes 0.00003; ExAC 0.00006.
gnomAD v4.1: 45 of 1,608,008 alleles (0.0028%); highest among the groups gnomAD compares: South Asian, 0.0044%; no homozygotes.

Submissions (3):

Ambry Genetics
Classification: Uncertain significance for Inborn genetic diseases. Last evaluated: 2025-02-09. Review status: criteria provided, single submitter. Criteria: Ambry Variant Classification Scheme 2023. Collection method: clinical testing. Allele origin: germline.

Blueprint Genetics
Classification: Uncertain significance. Last evaluated: 2024-07-01. Review status: criteria provided, single submitter. Criteria: ACMG Guidelines, 2015. Collection method: clinical testing. Allele origin: germline.

Labcorp Genetics (formerly Invitae), Labcorp
Classification: Uncertain significance for Mucopolysaccharidosis, MPS-III-A. Last evaluated: 2022-05-12. Review status: criteria provided, single submitter. Criteria: Invitae Variant Classification Sherloc (09022015). Collection method: clinical testing. Allele origin: germline.
Comment: This sequence change replaces alanine, which is neutral and non-polar, with threonine, which is neutral and polar, at codon 238 of the SGSH protein (p.Ala238Thr). This variant is present in population databases (rs752632460, gnomAD 0.007%). This variant has not been reported in the literature in individuals affected with SGSH-related conditions. Algorithms developed to predict the effect of missense changes on protein structure and function are either unavailable or do not agree on the potential impact of this missense change (SIFT: "Tolerated"; PolyPhen-2: "Possibly Damaging"; Align-GVGD: "Class C0"). In summary, the available evidence is currently insufficient to determine the role of this variant in disease. Therefore, it has been classified as a Variant of Uncertain Significance.